The following is an entry in ClinVar:

NM_015898.4(ZBTB7A):c.528CGC[5] (p.Ala181_Ser182insAla)

Gene: ZBTB7A (zinc finger and BTB domain containing 7A; minus strand). Cytogenetic location: 19p13.3.
Variant type: Microsatellite.
Coding change: c.528CGC[5] on transcript NM_015898.4 (MANE Select); five copies in a row of the 3-base unit CGC starting at c.528; the reference has four copies in a row; one copy, 3 bases duplicated.
Protein change: p.Ala181_Ser182insAla.
Molecular consequence: inframe insertion.
Genome position (GRCh38, 1-based): chr19:4,054,694-4,054,696, GCG duplicated on the plus strand (CGC on the coding strand, the reverse complement: ZBTB7A is on the minus strand); duplicating any 3 consecutive bases within chr19:4,054,694-4,054,707 gives the same sequence; the position shown is the placement nearest the transcript's 3' end. VCF-style (leftmost placement, unchanged base first): chr19-4054693-A-AGCG. GRCh37 (hg19) VCF-style: chr19-4054691-A-AGCG.
Other names: c.528CGC[5], p.Ala181_Ser182insAla (NM_001317990.2).
Identifiers: ClinVar variation 4872698 (VCV004872698.2).
Genomic context (GRCh38, chr19:4,054,693, plus strand): 5'-CTCCTTGGTGGCATCCAGGTCATCATCGGACGCCCCAAAGGCGGACCACGGGAAGCTGGC[A>AGCG]GCGGCGGCGGCGGCCGCGGGGGGCAGGCTGTTCATGGGGTTGCTCTGGAAGAACTCGAGG-3'

ClinVar aggregate classification (germline): Likely benign (1 of 4 stars; one submission).

Submission:

CeGaT Center for Human Genetics Tuebingen
Classification: Likely benign. Last evaluated: 2026-05-01. Review status: criteria provided, single submitter. Criteria: CeGaT Center For Human Genetics Tuebingen Variant Classification Criteria Version 2. Collection method: clinical testing. Allele origin: germline. Affected: yes. Observed: 1 variant allele.
Comment: ZBTB7A: BS1